The following is an entry in ClinVar:

NM_001367624.2(ZNF469):c.5968G>A (p.Glu1990Lys)

Gene: ZNF469 (zinc finger protein 469; plus strand). Cytogenetic location: 16q24.2.
Variant type: single nucleotide variant.
Coding change: c.5968G>A on transcript NM_001367624.2 (MANE Select); coding-DNA position 5968, G replaced by A.
Protein change: p.Glu1990Lys; replaces glutamic acid 1990 with lysine.
Molecular consequence: missense variant.
Genome position (GRCh38, 1-based): chr16:88,433,438, G>A. VCF-style: chr16-88433438-G-A. GRCh37 (hg19) VCF-style: chr16-88499846-G-A.
Other names: NM_001127464.1:c.5884G>A; short protein forms E1990K.
Identifiers: ClinVar variation 2220965 (VCV002220965.4), dbSNP rs1232512111, ClinGen allele CA397103405.
Genomic context (GRCh38, chr16:88,433,438, plus strand): 5'-GTGGCCGGACATCAGCTGGGGCTGGAGGCAGATGGACATTGGGGCTTGCTTGGCCAAGCC[G>A]AGAAAACCCAGGGCCAAGGCACAGCCAACCAGCTTCAGCCAGAGAACGGGGTGAGCCCAG-3'
Protein context (NP_001354553.1, residues 1980-2000): DGHWGLLGQA[Glu1990Lys]KTQGQGTANQ

ClinVar aggregate classification (germline): Uncertain significance. Review status: criteria provided, multiple submitters, no conflicts (2 of 4 stars). 2 submissions from 2 submitters: Uncertain significance (2). Last evaluated 2025-06-03.

Conditions:
Cardiovascular phenotype. Identifiers: MedGen CN230736.

Allele frequency attached by ClinVar (database versions not stated): gnomAD 0.00003; gnomAD exomes 0.00006; TOPMed 0.00002.
gnomAD v4.1: 86 of 1,550,250 alleles (0.0055%); highest among the groups gnomAD compares: Non-Finnish European, 0.0066%; no homozygotes.

Submissions (2):

Ambry Genetics
Classification: Uncertain significance for Cardiovascular phenotype. Last evaluated: 2025-06-03. Review status: criteria provided, single submitter. Criteria: Ambry Variant Classification Scheme 2023. Collection method: clinical testing. Allele origin: germline.

Labcorp Genetics (formerly Invitae), Labcorp
Classification: Uncertain significance. Last evaluated: 2024-02-24. Review status: criteria provided, single submitter. Criteria: Invitae Variant Classification Sherloc (09022015). Collection method: clinical testing. Allele origin: germline.
Comment: This sequence change replaces glutamic acid, which is acidic and polar, with lysine, which is basic and polar, at codon 1962 of the ZNF469 protein (p.Glu1962Lys). This variant is present in population databases (no rsID available, gnomAD 0.008%). This variant has not been reported in the literature in individuals affected with ZNF469-related conditions. ClinVar contains an entry for this variant (Variation ID: 2220965). Algorithms developed to predict the effect of missense changes on protein structure and function output the following: SIFT: "Not Available"; PolyPhen-2: "Benign"; Align-GVGD: "Not Available". The lysine amino acid residue is found in multiple mammalian species, which suggests that this missense change does not adversely affect protein function. In summary, the available evidence is currently insufficient to determine the role of this variant in disease. Therefore, it has been classified as a Variant of Uncertain Significance.